The following is an entry in ClinVar:

NM_001077365.2(POMT1):c.592T>A (p.Ser198Thr)

Gene: POMT1 (protein O-mannosyltransferase 1; plus strand). Cytogenetic location: 9q34.13.
Variant type: single nucleotide variant.
Coding change: c.592T>A on transcript NM_001077365.2 (MANE Select); coding-DNA position 592, T replaced by A.
Protein change: p.Ser198Thr; replaces serine 198 with threonine.
Molecular consequence: missense variant. On other transcripts: non-coding transcript variant (10).
Genome position (GRCh38, 1-based): chr9:131,509,795, T>A. VCF-style: chr9-131509795-T-A. GRCh37 (hg19) VCF-style: chr9-134385182-T-A.
Other names: c.430T>A, p.Ser144Thr (NM_001077366.2, NM_001353194.2, NM_001353197.2 and 3 more transcripts); c.592T>A, p.Ser198Thr (NM_001136113.2, NM_001353193.2, NM_001374690.1 and 1 more transcripts); c.241T>A, p.Ser81Thr (NM_001136114.2, NM_001353195.2, NM_001353199.2 and 2 more transcripts); c.502T>A, p.Ser168Thr (NM_001353196.2); c.136T>A, p.Ser46Thr (NM_001353200.2, NM_001374695.1); short protein forms S198T, S46T, S81T, S144T, S168T.
Identifiers: ClinVar variation 592745 (VCV000592745.10), dbSNP rs767056835, ClinGen allele CA5293331.

ClinVar aggregate classification (germline): Uncertain significance. Review status: criteria provided, multiple submitters, no conflicts (2 of 4 stars). 2 submissions from 2 submitters: Uncertain significance (2). Last evaluated 2021-08-30.

Conditions:
Muscular dystrophy-dystroglycanopathy (congenital with impaired intellectual development), type B, 1. Also called: Muscular dystrophy-dystroglycanopathy (congenital with intellectual disability), type B1; MUSCULAR DYSTROPHY, CONGENITAL, POMT1-RELATED. Identifiers: MedGen C5436962, MONDO:0013159, OMIM 613155.
Autosomal recessive limb-girdle muscular dystrophy type 2K. Also called: MUSCULAR DYSTROPHY-DYSTROGLYCANOPATHY (LIMB-GIRDLE), TYPE C, 1; MUSCULAR DYSTROPHY, LIMB-GIRDLE, TYPE 2K. Identifiers: Orphanet 86812, MedGen C1836373, MONDO:0012248, OMIM 609308.
Walker-Warburg congenital muscular dystrophy. Also called: Muscular dystrophy-dystroglycanopathy, type A; Walker-Warburg syndrome. Identifiers: Orphanet 899, MedGen C0265221, MONDO:0000171.

Allele frequency attached by ClinVar (database versions not stated): gnomAD exomes below 0.00001; ExAC 0.00001.
gnomAD v4.1: 6 of 1,614,242 alleles (0.00037%); highest among the groups gnomAD compares: Non-Finnish European, 0.00042%; no homozygotes.

Submissions (2):

Labcorp Genetics (formerly Invitae), Labcorp
Classification: Uncertain significance for Muscular dystrophy-dystroglycanopathy (congenital with impaired intellectual development), type B, 1; Walker-Warburg congenital muscular dystrophy; Autosomal recessive limb-girdle muscular dystrophy type 2K. Last evaluated: 2021-08-30. Review status: criteria provided, single submitter. Criteria: Invitae Variant Classification Sherloc (09022015). Collection method: clinical testing. Allele origin: germline.
Comment: This sequence change replaces serine with threonine at codon 198 of the POMT1 protein (p.Ser198Thr). The serine residue is moderately conserved and there is a small physicochemical difference between serine and threonine. This variant is present in population databases (rs767056835, ExAC 0.001%). This variant has not been reported in the literature in individuals affected with POMT1-related conditions. ClinVar contains an entry for this variant (Variation ID: 592745). Algorithms developed to predict the effect of missense changes on protein structure and function (SIFT, PolyPhen-2, Align-GVGD) all suggest that this variant is likely to be tolerated. In summary, the available evidence is currently insufficient to determine the role of this variant in disease. Therefore, it has been classified as a Variant of Uncertain Significance.

Eurofins Ntd Llc (ga)
Classification: Uncertain significance. Last evaluated: 2018-01-12. Review status: criteria provided, single submitter. Criteria: EGL Classification Definitions 2015. Collection method: clinical testing. Allele origin: germline. Observed: 2 variant alleles, 2 heterozygotes.